The following is an entry in ClinVar:

NM_003560.4(PLA2G6):c.1375C>T (p.Arg459Trp)

Gene: PLA2G6 (phospholipase A2 group VI; minus strand). Cytogenetic location: 22q13.1.
Variant type: single nucleotide variant.
Coding change: c.1375C>T on transcript NM_003560.4 (MANE Select); coding-DNA position 1375, C replaced by T.
Protein change: p.Arg459Trp; replaces arginine 459 with tryptophan.
Molecular consequence: missense variant.
Genome position (GRCh38, 1-based): chr22:38,126,423, G>A on the plus strand (C>T on the coding strand, the complement: PLA2G6 is on the minus strand). VCF-style: chr22-38126423-G-A. GRCh37 (hg19) VCF-style: chr22-38522430-G-A.
Other names: c.1213C>T, p.Arg405Trp (NM_001004426.3, NM_001199562.3, NM_001349865.2 and 1 more transcripts); c.1375C>T, p.Arg459Trp (NM_001349864.2); c.841C>T, p.Arg281Trp (NM_001349867.2); c.697C>T, p.Arg233Trp (NM_001349868.2); c.679C>T, p.Arg227Trp (NM_001349869.2); short protein forms R227W, R233W, R281W, R405W, R459W.
Identifiers: ClinVar variation 1209536 (VCV001209536.10), dbSNP rs753484966, ClinGen allele CA10230893.

ClinVar aggregate classification (germline): Uncertain significance. Review status: criteria provided, multiple submitters, no conflicts (2 of 4 stars). 5 submissions from 5 submitters: Uncertain significance (5). Last evaluated 2026-06-16.

Conditions:
PLA2G6-related disorder. Also called: PLA2G6-related condition.
Inborn genetic diseases. Identifiers: MedGen C0950123, MeSH D030342.
Infantile neuroaxonal dystrophy (NBIA2A). Also called: Infantile neuroaxonal dystrophy 1; NEURODEGENERATION WITH BRAIN IRON ACCUMULATION 2A; SEITELBERGER DISEASE. Identifiers: Orphanet 35069, MedGen C0270724, MONDO:0024457, OMIM 256600.

Allele frequency attached by ClinVar (database versions not stated): gnomAD exomes 0.00002 and 0.00006; ExAC 0.00003; gnomAD 0.00004; TOPMed 0.00006.

Submissions (5):

PreventionGenetics, part of Exact Sciences
Classification: Uncertain significance for PLA2G6-related condition. Last evaluated: 2026-06-16. Review status: criteria provided, single submitter. Criteria: ACMG Guidelines, 2015. Collection method: clinical testing. Allele origin: germline.
Comment: The PLA2G6 c.1375C>T variant is predicted to result in the amino acid substitution p.Arg459Trp. To our knowledge, this variant has not been reported in the literature. This variant is reported in 0.032% of alleles in individuals of Latino descent in gnomAD. At this time, the clinical significance of this variant is uncertain due to the absence of conclusive functional and genetic evidence.

Labcorp Genetics (formerly Invitae), Labcorp
Classification: Uncertain significance for Infantile neuroaxonal dystrophy. Last evaluated: 2025-12-08. Review status: criteria provided, single submitter. Criteria: Invitae Variant Classification Sherloc (09022015). Collection method: clinical testing. Allele origin: germline.
Comment: This sequence change replaces arginine, which is basic and polar, with tryptophan, which is neutral and slightly polar, at codon 459 of the PLA2G6 protein (p.Arg459Trp). This variant is present in population databases (rs753484966, gnomAD 0.03%). This variant has not been reported in the literature in individuals affected with PLA2G6-related conditions. ClinVar contains an entry for this variant (Variation ID: 1209536). Invitae Evidence Modeling of protein sequence and biophysical properties (such as structural, functional, and spatial information, amino acid conservation, physicochemical variation, residue mobility, and thermodynamic stability) indicates that this missense variant is not expected to disrupt PLA2G6 protein function with a negative predictive value of 80%. In summary, the available evidence is currently insufficient to determine the role of this variant in disease. Therefore, it has been classified as a Variant of Uncertain Significance.

Ambry Genetics
Classification: Uncertain significance for Inborn genetic diseases. Last evaluated: 2023-12-19. Review status: criteria provided, single submitter. Criteria: Ambry Variant Classification Scheme 2023. Collection method: clinical testing. Allele origin: germline.

Women's Health and Genetics/Laboratory Corporation of America, LabCorp
Classification: Uncertain significance. Last evaluated: 2023-11-09. Review status: criteria provided, single submitter. Criteria: LabCorp Variant Classification Summary - May 2015. Collection method: clinical testing. Allele origin: germline.
Comment: Variant summary: PLA2G6 c.1375C>T (p.Arg459Trp) results in a non-conservative amino acid change in the encoded protein sequence. Four of five in-silico tools predict a damaging effect of the variant on protein function. The variant allele was found at a frequency of 6e-05 in 250340 control chromosomes (gnomAD). To our knowledge, no occurrence of c.1375C>T in individuals affected with Neurodegeneration With Brain Iron Accumulation and no experimental evidence demonstrating its impact on protein function have been reported. Two submitters have cited clinical-significance assessments for this variant to ClinVar after 2014. All submitters classified the variant as uncertain significance. Based on the evidence outlined above, the variant was classified as uncertain significance.

GeneDx
Classification: Uncertain significance. Last evaluated: 2022-11-29. Review status: criteria provided, single submitter. Criteria: GeneDx Variant Classification Process June 2021. Collection method: clinical testing. Allele origin: germline. Affected: yes.
Comment: In silico analysis supports that this missense variant does not alter protein structure/function; Has not been previously published as pathogenic or benign to our knowledge